The following is an entry in ClinVar:

NM_000038.6(APC):c.1250G>C (p.Cys417Ser)

Gene: APC (APC regulator of Wnt signaling pathway; plus strand). Cytogenetic location: 5q22.2.
Variant type: single nucleotide variant.
Coding change: c.1250G>C on transcript NM_000038.6 (MANE Select); coding-DNA position 1250, G replaced by C.
Protein change: p.Cys417Ser; replaces cysteine 417 with serine.
Molecular consequence: missense variant.
Genome position (GRCh38, 1-based): chr5:112,819,282, G>C. VCF-style: chr5-112819282-G-C. GRCh37 (hg19) VCF-style: chr5-112154979-G-C.
Other names: c.1250G>C, p.Cys417Ser (NM_001127510.3, NM_001354895.2, NM_001354896.2); c.1196G>C, p.Cys399Ser (NM_001127511.3); c.1280G>C, p.Cys427Ser (NM_001354897.2); c.1175G>C, p.Cys392Ser (NM_001354898.2); c.1166G>C, p.Cys389Ser (NM_001354899.2); c.1073G>C, p.Cys358Ser (NM_001354900.2, NM_001354901.2); c.977G>C, p.Cys326Ser (NM_001354902.2); c.947G>C, p.Cys316Ser (NM_001354903.2); and 3 more; short protein forms C399S, C417S, C291S, C392S, C257S, C326S, C389S, C134S.
Identifiers: ClinVar variation 490190 (VCV000490190.17), dbSNP rs780178612, ClinGen allele CA026919.

ClinVar aggregate classification (germline): Uncertain significance. Review status: criteria provided, multiple submitters, no conflicts (2 of 4 stars). 3 submissions from 3 submitters: Uncertain significance (3). Last evaluated 2025-08-07.

Conditions:
Familial adenomatous polyposis 1 (FAP1). Also called: POLYPOSIS, ADENOMATOUS INTESTINAL; FAMILIAL ADENOMATOUS POLYPOSIS 1, ATTENUATED. Identifiers: MedGen C2713442, MONDO:0021056, OMIM 175100. Disease mechanism: loss of function.
Hereditary cancer-predisposing syndrome. Also called: Hereditary Cancer Syndrome; Neoplastic Syndromes, Hereditary; Tumor predisposition; Hereditary neoplastic syndrome. Identifiers: Orphanet 140162, MedGen C0027672, MeSH D009386, MONDO:0015356.

Allele frequency attached by ClinVar (database versions not stated): gnomAD exomes below 0.00001; TOPMed below 0.00001; ExAC 0.00001; gnomAD 0.00001.
gnomAD v4.1: 3 of 1,613,952 alleles (0.00019%); highest among the groups gnomAD compares: South Asian, 0.0011%; no homozygotes.

Submissions (3):

Ambry Genetics
Classification: Uncertain significance for Hereditary cancer-predisposing syndrome. Last evaluated: 2025-08-07. Review status: criteria provided, single submitter. Criteria: Ambry Variant Classification Scheme 2023. Collection method: clinical testing. Allele origin: germline.
Comment: The p.C417S variant (also known as c.1250G>C), located in coding exon 9 of the APC gene, results from a G to C substitution at nucleotide position 1250. The cysteine at codon 417 is replaced by serine, an amino acid with dissimilar properties. This amino acid position is highly conserved in available vertebrate species. In addition, in silico predictors for this gene do not accurately predict pathogenicity. Missense alterations in APC are not a common cause of disease (Spier I et al. Genet Med. 2024 Feb;26(2):100992). Based on the available evidence, the clinical significance of this variant remains unclear.

Color Diagnostics, LLC DBA Color Health
Classification: Uncertain significance for Hereditary cancer-predisposing syndrome. Last evaluated: 2023-12-05. Review status: criteria provided, single submitter. Criteria: ACMG Guidelines, 2015. Collection method: clinical testing. Allele origin: germline.
Comment: This missense variant replaces cysteine with serine at codon 417 of the APC protein. Computational prediction suggests that this variant may have deleterious impact on protein structure and function (internally defined REVEL score threshold >= 0.7, PMID: 27666373). To our knowledge, functional studies have not been reported for this variant. This variant has not been reported in individuals affected with APC-related disorders in the literature. This variant has been identified in 1/250654 chromosomes in the general population by the Genome Aggregation Database (gnomAD). The available evidence is insufficient to determine the role of this variant in disease conclusively. Therefore, this variant is classified as a Variant of Uncertain Significance.

Labcorp Genetics (formerly Invitae), Labcorp
Classification: Uncertain significance for Familial adenomatous polyposis 1. Last evaluated: 2023-03-30. Review status: criteria provided, single submitter. Criteria: Invitae Variant Classification Sherloc (09022015). Collection method: clinical testing. Allele origin: germline.
Comment: In summary, the available evidence is currently insufficient to determine the role of this variant in disease. Therefore, it has been classified as a Variant of Uncertain Significance. Advanced modeling of protein sequence and biophysical properties (such as structural, functional, and spatial information, amino acid conservation, physicochemical variation, residue mobility, and thermodynamic stability) performed at Invitae indicates that this missense variant is not expected to disrupt APC protein function. ClinVar contains an entry for this variant (Variation ID: 490190). This variant has not been reported in the literature in individuals affected with APC-related conditions. This variant is present in population databases (rs780178612, gnomAD 0.003%). This sequence change replaces cysteine, which is neutral and slightly polar, with serine, which is neutral and polar, at codon 417 of the APC protein (p.Cys417Ser).